The following is an entry in ClinVar:

ClinVar aggregate classification (germline): Uncertain significance. Review status: criteria provided, multiple submitters, no conflicts (2 of 4 stars). 3 submissions from 3 submitters: Uncertain significance (3). Last evaluated 2026-01-27.

Conditions:
Oligodontia-cancer predisposition syndrome. Also called: TOOTH AGENESIS-COLORECTAL CANCER SYNDROME. Identifiers: Orphanet 300576, MedGen C1837750, MONDO:0012075, OMIM 608615. Disease mechanism: loss of function.
Hereditary cancer-predisposing syndrome. Also called: Neoplastic Syndromes, Hereditary; Tumor predisposition; Hereditary Cancer Syndrome; Hereditary neoplastic syndrome. Identifiers: Orphanet 140162, MedGen C0027672, MeSH D009386, MONDO:0015356.

Allele frequency attached by ClinVar (database versions not stated): gnomAD exomes 0.00001; gnomAD 0.00003; TOPMed 0.00003.
gnomAD v4.1: 12 of 1,613,728 alleles (0.00074%); highest among the groups gnomAD compares: African/African-American, 0.015%; no homozygotes.

Submissions (3):

Labcorp Genetics (formerly Invitae), Labcorp
Classification: Uncertain significance for Oligodontia-cancer predisposition syndrome. Last evaluated: 2026-01-27. Review status: criteria provided, single submitter. Criteria: Invitae Variant Classification Sherloc (09022015). Collection method: clinical testing. Allele origin: germline.
Comment: This sequence change replaces glutamine, which is neutral and polar, with glutamic acid, which is acidic and polar, at codon 681 of the AXIN2 protein (p.Gln681Glu). This variant is present in population databases (no rsID available, gnomAD 0.01%). This variant has not been reported in the literature in individuals affected with AXIN2-related conditions. ClinVar contains an entry for this variant (Variation ID: 464592). Invitae Evidence Modeling of protein sequence and biophysical properties (such as structural, functional, and spatial information, amino acid conservation, physicochemical variation, residue mobility, and thermodynamic stability) indicates that this missense variant is expected to disrupt AXIN2 protein function with a positive predictive value of 80%. In summary, the available evidence is currently insufficient to determine the role of this variant in disease. Therefore, it has been classified as a Variant of Uncertain Significance.

Ambry Genetics
Classification: Uncertain significance for Hereditary cancer-predisposing syndrome. Last evaluated: 2025-11-25. Review status: criteria provided, single submitter. Criteria: Ambry Variant Classification Scheme 2023. Collection method: clinical testing. Allele origin: germline.

GeneDx
Classification: Uncertain significance. Last evaluated: 2025-07-29. Review status: criteria provided, single submitter. Criteria: GeneDx Variant Classification Process June 2021. Collection method: clinical testing. Allele origin: germline. Affected: yes.
Comment: Not observed at significant frequency in large population cohorts (gnomAD); In silico analysis suggests that this missense variant does not alter protein structure/function; Has not been previously published as pathogenic or benign to our knowledge; This variant is associated with the following publications: (PMID: 15735151)

NM_004655.4(AXIN2):c.2041C>G (p.Gln681Glu)

Gene: AXIN2 (axin 2; minus strand). Cytogenetic location: 17q24.1.
Variant type: single nucleotide variant.
Coding change: c.2041C>G on transcript NM_004655.4 (MANE Select); coding-DNA position 2041, C replaced by G.
Protein change: p.Gln681Glu; replaces glutamine 681 with glutamic acid.
Molecular consequence: missense variant.
Genome position (GRCh38, 1-based): chr17:65,536,420, G>C on the plus strand (C>G on the coding strand, the complement: AXIN2 is on the minus strand). VCF-style: chr17-65536420-G-C. GRCh37 (hg19) VCF-style: chr17-63532538-G-C.
Other names: c.2041C>G (LRG_296t1); c.1846C>G, p.Gln616Glu (NM_001363813.1); short protein forms Q681E, Q616E.
Identifiers: ClinVar variation 464592 (VCV000464592.17), dbSNP rs911977110, ClinGen allele CA293097780.
Genomic context (GRCh38, chr17:65,536,420, plus strand): 5'-AGGCCTCCTCCAGCTGAGCCAGCGTGTTGGGTGGGGTCAGGGGAGGCATCGCAGGGTCCT[G>C]GGTGAACAGGTGGGCACGGGGGGTGGTGCGGGGGTGCCCGCTGTTGCCCCCCCACAGATG-3'
Protein context (NP_004646.3, residues 671-691): RTTPRAHLFT[Gln681Glu]DPAMPPLTPP